The following is an entry in ClinVar:

ClinVar aggregate classification (germline): Pathogenic/Likely pathogenic. Review status: criteria provided, multiple submitters, no conflicts (2 of 4 stars). 4 submissions from 4 submitters: Pathogenic (1); Likely pathogenic (1). 2 of the submissions do not count toward it. Last evaluated 2024-01-21.

Conditions:
SLC26A3-related disorder. Also called: SLC26A3-related condition.
Congenital secretory diarrhea, chloride type (DIAR1). Also called: DIARRHEA 1, SECRETORY CHLORIDE, CONGENITAL; CHLORIDORRHEA, CONGENITAL; CHLORIDE DIARRHEA, CONGENITAL, FINNISH TYPE. Identifiers: Orphanet 53689, MedGen C0267662, MONDO:0008964, OMIM 214700.

Allele frequency attached by ClinVar (database versions not stated): ExAC 0.00001; gnomAD exomes 0.00003 and 0.00007.
gnomAD v4.1: 103 of 1,612,528 alleles (0.0064%); highest among the groups gnomAD compares: Non-Finnish European, 0.0083%; no homozygotes.

Submissions (4):

Labcorp Genetics (formerly Invitae), Labcorp
Classification: Pathogenic. Last evaluated: 2024-01-21. Review status: criteria provided, single submitter. Criteria: Invitae Variant Classification Sherloc (09022015). Collection method: clinical testing. Allele origin: germline.
Comment: This sequence change affects an acceptor splice site in intron 5 of the SLC26A3 gene. It is expected to disrupt RNA splicing. Variants that disrupt the donor or acceptor splice site typically lead to a loss of protein function (PMID: 16199547), and loss-of-function variants in SLC26A3 are known to be pathogenic (PMID: 9718329, 21394828). This variant is present in population databases (rs386833486, gnomAD 0.009%). Disruption of this splice site has been observed in individual(s) with congenital chloride diarrhea (PMID: 9718329). This variant is also known as IVS5-2A>G. ClinVar contains an entry for this variant (Variation ID: 56005). Algorithms developed to predict the effect of sequence changes on RNA splicing suggest that this variant may disrupt the consensus splice site. For these reasons, this variant has been classified as Pathogenic.

CeGaT Center for Human Genetics Tuebingen
Classification: Likely pathogenic. Last evaluated: 2016-05-01. Review status: criteria provided, single submitter. Criteria: CeGaT Center For Human Genetics Tuebingen Variant Classification Criteria Version 2. Collection method: clinical testing. Allele origin: germline. Affected: yes. Observed: 1 variant allele.

PreventionGenetics, part of Exact Sciences
Classification: Likely pathogenic for SLC26A3-related condition. Last evaluated: 2023-12-16. Review status: no assertion criteria provided. Collection method: clinical testing. Allele origin: germline. Not counted in ClinVar's aggregate classification.
Comment: The SLC26A3 c.571-2A>G variant is predicted to disrupt the AG splice acceptor site and interfere with normal splicing. This variant has been reported along with a second SLC26A3 variant in an individual with congenital chloride diarrhea (Table 1 and 2, referred to as IVS5-2A>G, Hoglund et al. 1998. PubMed ID: 9718329). This variant is reported in 0.0093% of alleles in individuals of European (Finnish) descent in gnomAD. Variants that disrupt the consensus splice acceptor site in SLC26A3 are expected to be pathogenic. This variant is interpreted as likely pathogenic.

Juha Muilu Group; Institute for Molecular Medicine Finland (FIMM)
Classification: Likely pathogenic for Congenital secretory diarrhea, chloride type. Review status: no assertion criteria provided. Collection method: not provided. Allele origin: unknown. Not counted in ClinVar's aggregate classification.
Comment: FinDis database variant: This variant was not found or characterized by our laboratory, data were collected from public sources: see reference
ClinVar note: Converted during submission from probable-pathogenic to Likely pathogenic.

Literature cited by the submitters: PubMed 16199547 (cited by Labcorp Genetics (formerly Invitae), Labcorp); PubMed 9718329 (cited by Labcorp Genetics (formerly Invitae), Labcorp); PubMed 21394828 (cited by Labcorp Genetics (formerly Invitae), Labcorp).

NM_000111.3(SLC26A3):c.571-2A>G

Gene: SLC26A3 (solute carrier family 26 member 3; minus strand). Cytogenetic location: 7q22.3.
Variant type: single nucleotide variant.
Coding change: c.571-2A>G on transcript NM_000111.3 (MANE Select); the canonical splice acceptor site of the intron before coding-DNA position 571, A replaced by G.
Molecular consequence: splice acceptor variant.
Genome position (GRCh38, 1-based): chr7:107,789,690, T>C on the plus strand (A>G on the coding strand, the complement: SLC26A3 is on the minus strand). VCF-style: chr7-107789690-T-C. GRCh37 (hg19) VCF-style: chr7-107430135-T-C.
Identifiers: ClinVar variation 56005 (VCV000056005.48), dbSNP rs386833486, ClinGen allele CA144108.